The following is an entry in ClinVar:

NM_020975.6(RET):c.1223A>T (p.Tyr408Phe)

Gene: RET (ret proto-oncogene; plus strand). Cytogenetic location: 10q11.21.
Variant type: single nucleotide variant.
Coding change: c.1223A>T on transcript NM_020975.6 (MANE Select); coding-DNA position 1223, A replaced by T.
Protein change: p.Tyr408Phe; replaces tyrosine 408 with phenylalanine.
Molecular consequence: missense variant.
Genome position (GRCh38, 1-based): chr10:43,109,190, A>T. VCF-style: chr10-43109190-A-T. GRCh37 (hg19) VCF-style: chr10-43604638-A-T.
Other names: c.1223A>T, p.Tyr408Phe (NM_000323.2, NM_001406743.1, NM_001406744.1 and 6 more transcripts); c.461A>T, p.Tyr154Phe (NM_001355216.2); c.1094A>T, p.Tyr365Phe (NM_001406761.1, NM_001406762.1, NM_001406764.1 and 1 more transcripts); c.935A>T, p.Tyr312Phe (NM_001406766.1, NM_001406767.1, NM_001406770.1); c.785A>T, p.Tyr262Phe (NM_001406771.1, NM_001406773.1); c.497A>T, p.Tyr166Phe (NM_001406775.1, NM_001406776.1, NM_001406777.1 and 1 more transcripts); c.233A>T, p.Tyr78Phe (NM_001406784.1); short protein forms Y408F, Y154F, Y166F, Y365F, Y262F, Y312F, Y78F.
Identifiers: ClinVar variation 220164 (VCV000220164.8), dbSNP rs864622405, ClinGen allele CA348782.

ClinVar aggregate classification (germline): Uncertain significance (1 of 4 stars; one submission).

Conditions:
Multiple endocrine neoplasia, type 2 (MEN2). Identifiers: Orphanet 653, MedGen C4048306, MONDO:0019003. Disease mechanism: gain of function.

Submission:

Labcorp Genetics (formerly Invitae), Labcorp
Classification: Uncertain significance for Multiple endocrine neoplasia, type 2. Last evaluated: 2015-09-05. Review status: criteria provided, single submitter. Criteria: Invitae Variant Classification Sherloc (09022015). Collection method: clinical testing. Allele origin: germline.
Comment: This sequence change replaces tyrosine with phenylalanine at codon 408 of the RET protein (p.Tyr408Phe). The tyrosine residue is highly conserved and there is a small physicochemical difference between tyrosine and phenylalanine. Algorithms developed to predict the effect of missense changes on protein structure and function do not agree on the potential impact of this missense change (SIFT: "deleterious"; PolyPhen-2: "Possibly Damaging"; Align-GVGD: "Class C0"). This variant is not present in population databases and has not been reported in the literature. In summary, this is a novel missense change with uncertain impact on protein function. It has been classified as a Variant of Uncertain Significance.